The following is an entry in ClinVar:

ClinVar aggregate classification (germline): Uncertain significance (1 of 4 stars; one submission).

Conditions:
Limb-girdle muscular dystrophy due to POMK deficiency. Also called: Muscular dystrophy-dystroglycanopathy (limb-girdle), type c, 12; MUSCULAR DYSTROPHY-DYSTROGLYCANOPATHY, LIMB-GIRDLE, POMK-RELATED. Identifiers: Orphanet 445110, MedGen C4015184, MONDO:0014489, OMIM 616094.
Muscular dystrophy-dystroglycanopathy (congenital with brain and eye anomalies), type a, 12 (MDDGA12). Also called: WALKER-WARBURG SYNDROME OR MUSCLE-EYE-BRAIN DISEASE, POMK-RELATED. Identifiers: Orphanet 899, MedGen C3808964, MONDO:0014101, OMIM 615249.

Submission:

Labcorp Genetics (formerly Invitae), Labcorp
Classification: Uncertain significance for Muscular dystrophy-dystroglycanopathy (congenital with brain and eye anomalies), type a, 12; Limb-girdle muscular dystrophy due to POMK deficiency. Last evaluated: 2020-10-30. Review status: criteria provided, single submitter. Criteria: Invitae Variant Classification Sherloc (09022015). Collection method: clinical testing. Allele origin: germline.
Comment: This variant results in a copy number gain of the genomic region encompassing exon(s) 4 of the POMK gene. This region includes the initiator codon of the gene. The 5' end of this event is unknown as it extends beyond the assayed region for this gene and therefore may encompass additional genes. The 3' boundary is likely confined to intron 4 of the POMK gene. As the precise location of this event is unknown, it may be in tandem or it may be located elsewhere in the genome. This variant has not been reported in the literature in individuals with POMK-related conditions. In summary, the available evidence is currently insufficient to determine the role of this variant in disease. Therefore, it has been classified as a Variant of Uncertain Significance.

NC_000008.10:g.(?_42958682)_(42958983_?)dup

Gene: POMK (protein O-mannose kinase; plus strand). Cytogenetic location: 8p11.21.
Variant type: Duplication.
Identifiers: ClinVar variation 1412566 (VCV001412566.1).